The following is an entry in ClinVar:

ClinVar aggregate classification (germline): Uncertain significance (1 of 4 stars; one submission).

Conditions:
Aicardi-Goutieres syndrome 3. Identifiers: Orphanet 51, MedGen C1835916, MONDO:0012471, OMIM 610329.

gnomAD v4.1: 2 of 1,567,678 alleles (0.00013%); highest among the groups gnomAD compares: Non-Finnish European, 0.000086%; no homozygotes.

Submission:

Labcorp Genetics (formerly Invitae), Labcorp
Classification: Uncertain significance for Aicardi-Goutieres syndrome 3. Last evaluated: 2022-09-07. Review status: criteria provided, single submitter. Criteria: Invitae Variant Classification Sherloc (09022015). Collection method: clinical testing. Allele origin: germline.
Comment: This sequence change replaces glycine, which is neutral and non-polar, with arginine, which is basic and polar, at codon 40 of the RNASEH2C protein (p.Gly40Arg). The frequency data for this variant in the population databases is considered unreliable, as metrics indicate poor data quality at this position in the gnomAD database. This variant has not been reported in the literature in individuals affected with RNASEH2C-related conditions. Algorithms developed to predict the effect of missense changes on protein structure and function output the following: SIFT: "Tolerated"; PolyPhen-2: "Benign"; Align-GVGD: "Class C0". The arginine amino acid residue is found in multiple mammalian species, which suggests that this missense change does not adversely affect protein function. In summary, the available evidence is currently insufficient to determine the role of this variant in disease. Therefore, it has been classified as a Variant of Uncertain Significance.

NM_032193.4(RNASEH2C):c.118G>C (p.Gly40Arg)

Genes: RNASEH2C (ribonuclease H2 subunit C; minus strand), LOC130006061 (ATAC-STARR-seq lymphoblastoid silent region 3553; plus strand). Cytogenetic location: 11q13.1.
Variant type: single nucleotide variant.
Coding change: c.118G>C on transcript NM_032193.4 (MANE Select); coding-DNA position 118, G replaced by C.
Protein change: p.Gly40Arg; replaces glycine 40 with arginine.
Molecular consequence: missense variant.
Genome position (GRCh38, 1-based): chr11:65,720,641, C>G on the plus strand (G>C on the coding strand, the complement: RNASEH2C is on the minus strand). VCF-style: chr11-65720641-C-G. GRCh37 (hg19) VCF-style: chr11-65488112-C-G.
Other names: short protein forms G40R.
Identifiers: ClinVar variation 2148005 (VCV002148005.1), dbSNP rs1225154500, ClinGen allele CA381299304.